The following is an entry in ClinVar:

ClinVar aggregate classification (germline): Likely pathogenic (1 of 4 stars; one submission).

Conditions:
Dent disease type 1 (DENT1). Also called: NEPHROLITHIASIS 2; NEPHROLITHIASIS, HYPERCALCIURIC, X-LINKED. Identifiers: Orphanet 1652, Orphanet 93622, MedGen C1848336, MONDO:0010225, OMIM 300009.

Submission:

MVZ Medizinische Genetik Mainz
Classification: Likely pathogenic for Dent disease type 1. Last evaluated: 2024-09-13. Review status: criteria provided, single submitter. Criteria: UK Practice Guidelines For Variant Classification V4 01 2020. Collection method: clinical testing. Allele origin: germline. Inheritance: X-linked dominant inheritance. Affected: yes. Observed: 1 variant allele.
Comment: ACMG Criteria: PP3_STR,PM2_SUP,PP4

NM_001127898.4(CLCN5):c.2108G>A (p.Gly703Asp)

Genes: CLCN5 (Cl-/H+ antiporter 5; plus strand), LOC126863258 (BRD4-independent group 4 enhancer GRCh37_chrX:49854497-49855696; plus strand). Cytogenetic location: Xp11.23.
Variant type: single nucleotide variant.
Coding change: c.2108G>A on transcript NM_001127898.4 (MANE Select); coding-DNA position 2108, G replaced by A.
Protein change: p.Gly703Asp; replaces glycine 703 with aspartic acid.
Molecular consequence: missense variant.
Genome position (GRCh38, 1-based): chrX:50,090,479, G>A. VCF-style: chrX-50090479-G-A. GRCh37 (hg19) VCF-style: chrX-49855136-G-A.
Other names: c.1898G>A, p.Gly633Asp (NM_000084.5); c.2108G>A, p.Gly703Asp (NM_001127899.4); c.1958G>A, p.Gly653Asp (NM_001282163.2); short protein forms G633D, G653D, G703D.
Identifiers: ClinVar variation 3370333 (VCV003370333.1).